The following is an entry in ClinVar:

ClinVar aggregate classification (germline): Uncertain significance (1 of 4 stars; one submission).

Conditions:
Charcot-Marie-Tooth disease type 2. Also called: Charcot-Marie-Tooth type 2. Identifiers: Orphanet 64746, MedGen C0270914, MONDO:0018993.

Allele frequency attached by ClinVar (database versions not stated): gnomAD 0.00003; gnomAD exomes below 0.00001; ExAC 0.00002.
gnomAD v4.1: 5 of 1,614,072 alleles (0.00031%); highest among the groups gnomAD compares: African/African-American, 0.0067%; no homozygotes.

Submission:

Labcorp Genetics (formerly Invitae), Labcorp
Classification: Uncertain significance for Charcot-Marie-Tooth disease type 2. Last evaluated: 2022-08-27. Review status: criteria provided, single submitter. Criteria: Invitae Variant Classification Sherloc (09022015). Collection method: clinical testing. Allele origin: germline.
Comment: This sequence change replaces proline, which is neutral and non-polar, with leucine, which is neutral and non-polar, at codon 576 of the MFN2 protein (p.Pro576Leu). This variant is present in population databases (rs756441388, gnomAD 0.03%). This variant has not been reported in the literature in individuals affected with MFN2-related conditions. Advanced modeling of protein sequence and biophysical properties (such as structural, functional, and spatial information, amino acid conservation, physicochemical variation, residue mobility, and thermodynamic stability) performed at Invitae indicates that this missense variant is not expected to disrupt MFN2 protein function. In summary, the available evidence is currently insufficient to determine the role of this variant in disease. Therefore, it has been classified as a Variant of Uncertain Significance.

NM_014874.4(MFN2):c.1727C>T (p.Pro576Leu)

Gene: MFN2 (mitofusin 2; plus strand). Cytogenetic location: 1p36.22.
Variant type: single nucleotide variant.
Coding change: c.1727C>T on transcript NM_014874.4 (MANE Select); coding-DNA position 1727, C replaced by T.
Protein change: p.Pro576Leu; replaces proline 576 with leucine.
Molecular consequence: missense variant.
Genome position (GRCh38, 1-based): chr1:12,006,548, C>T. VCF-style: chr1-12006548-C-T. GRCh37 (hg19) VCF-style: chr1-12066605-C-T.
Other names: c.1727C>T, p.Pro576Leu (NM_001127660.2); short protein forms P576L.
Identifiers: ClinVar variation 2131474 (VCV002131474.4), dbSNP rs756441388, ClinGen allele CA599213.